The following is an entry in ClinVar:

NM_015488.5(PNKD):c.35G>A (p.Gly12Asp)

Genes: PNKD (PNKD metallo-beta-lactamase domain containing; plus strand), LOC129935594 (ATAC-STARR-seq lymphoblastoid active region 17117; plus strand). Cytogenetic location: 2q35.
Variant type: single nucleotide variant.
Coding change: c.35G>A on transcript NM_015488.5 (MANE Select); coding-DNA position 35, G replaced by A.
Protein change: p.Gly12Asp; replaces glycine 12 with aspartic acid.
Molecular consequence: missense variant.
Genome position (GRCh38, 1-based): chr2:218,270,570, G>A. VCF-style: chr2-218270570-G-A. GRCh37 (hg19) VCF-style: chr2-219135293-G-A.
Other names: c.35G>A, p.Gly12Asp (NM_001077399.3); short protein forms G12D.
Identifiers: ClinVar variation 2784013 (VCV002784013.3), dbSNP rs778883254, ClinGen allele CA350543609.

ClinVar aggregate classification (germline): Uncertain significance (1 of 4 stars; one submission).

Conditions:
Paroxysmal nonkinesigenic dyskinesia. Also called: Paroxysmal non-kinesigenic dyskinesia. Identifiers: Orphanet 98810, MedGen C1869117, MONDO:0700088.

gnomAD v4.1: 1 of 1,201,806 alleles (0.000083%); highest among the groups gnomAD compares: Middle Eastern, 0.021%; no homozygotes.

Submission:

Labcorp Genetics (formerly Invitae), Labcorp
Classification: Uncertain significance for Paroxysmal nonkinesigenic dyskinesia. Last evaluated: 2024-01-14. Review status: criteria provided, single submitter. Criteria: Invitae Variant Classification Sherloc (09022015). Collection method: clinical testing. Allele origin: germline.
Comment: This sequence change replaces glycine, which is neutral and non-polar, with aspartic acid, which is acidic and polar, at codon 12 of the PNKD protein (p.Gly12Asp). This variant is not present in population databases (gnomAD no frequency). This variant has not been reported in the literature in individuals affected with PNKD-related conditions. An algorithm developed to predict the effect of missense changes on protein structure and function (PolyPhen-2) suggests that this variant is likely to be disruptive. In summary, the available evidence is currently insufficient to determine the role of this variant in disease. Therefore, it has been classified as a Variant of Uncertain Significance.